The following is an entry in ClinVar:

ClinVar aggregate classification (germline): Uncertain significance (1 of 4 stars; one submission).

Submission:

Labcorp Genetics (formerly Invitae), Labcorp
Classification: Uncertain significance. Last evaluated: 2025-09-02. Review status: criteria provided, single submitter. Criteria: Invitae Variant Classification Sherloc (09022015). Collection method: clinical testing. Allele origin: germline.
Comment: This sequence change creates a premature translational stop signal (p.Phe3932Leufs*40) in the KMT2A gene. While this is not anticipated to result in nonsense mediated decay, it is expected to disrupt the last 41 amino acid(s) of the KMT2A protein. This variant is not present in population databases (gnomAD no frequency). This variant has not been reported in the literature in individuals affected with KMT2A-related conditions. This variant disrupts a region of the KMT2A protein in which other variant(s) (p.Arg3939*) have been observed in individuals with KMT2A-related conditions (internal data). This suggests that this is a clinically significant region of the protein, and that variants that disrupt it are likely to be disease-causing. In summary, the available evidence is currently insufficient to determine the role of this variant in disease. Therefore, it has been classified as a Variant of Uncertain Significance.

NM_001197104.2(KMT2A):c.11796del (p.Phe3932fs)

Genes: KMT2A (lysine methyltransferase 2A; plus strand), TTC36-AS1 (TTC36 and KMT2A antisense RNA 1; minus strand). Cytogenetic location: 11q23.3.
Variant type: Deletion.
Coding change: c.11796del on transcript NM_001197104.2 (MANE Select); coding-DNA position 11796, one base deleted (T; older notation c.11796delT).
Protein change: p.Phe3932fs; shifts the reading frame from phenylalanine 3932.
Molecular consequence: frameshift variant.
Genome position (GRCh38, 1-based): chr11:118,522,049, T deleted; the last of 3 consecutive T bases (chr11:118,522,047-118,522,049); deleting any one gives the same sequence. VCF-style (leftmost placement, unchanged base first): chr11-118522046-CT-C. GRCh37 (hg19) VCF-style: chr11-118392761-CT-C.
Other names: c.11886del, p.Phe3962fs (NM_001412597.1); c.11787del, p.Phe3929fs (NM_005933.4); short protein forms F3962fs, F3932fs, F3929fs.
Identifiers: ClinVar variation 4725677 (VCV004725677.1).
Genomic context (GRCh38, chr11:118,522,046, plus strand): 5'-GTGTGAGCCTAACTGCTATTCTCGGGTCATCAATATTGATGGGCAGAAGCACATTGTCAT[CT>C]TTGCCATGCGTAAGATCTACCGAGGAGAGGAACTCACTTACGACTATAAGTTCCCCATTG-3'